The following is an entry in ClinVar:

NM_006502.3(POLH):c.1751T>C (p.Leu584Pro)

Gene: POLH (DNA polymerase eta; plus strand). Cytogenetic location: 6p21.1.
Variant type: single nucleotide variant.
Coding change: c.1751T>C on transcript NM_006502.3 (MANE Select); coding-DNA position 1751, T replaced by C.
Protein change: p.Leu584Pro; replaces leucine 584 with proline.
Molecular consequence: missense variant. On other transcripts: 3 prime UTR variant (1).
Genome position (GRCh38, 1-based): chr6:43,614,166, T>C. VCF-style: chr6-43614166-T-C. GRCh37 (hg19) VCF-style: chr6-43581903-T-C.
Other names: c.1379T>C, p.Leu460Pro (NM_001291969.2); c.*435T>C (NM_001291970.2); short protein forms L584P, L460P.
Identifiers: ClinVar variation 787831 (VCV000787831.12), dbSNP rs9333554, ClinGen allele CA3827303.

ClinVar aggregate classification (germline): Benign. Review status: criteria provided, multiple submitters, no conflicts (2 of 4 stars). 3 submissions from 3 submitters: Benign (3). Last evaluated 2026-02-01.

Conditions:
POLH-related disorder. Also called: POLH-related condition.
Xeroderma pigmentosum variant type. Also called: PHOTOSENSITIVITY WITH DEFECTIVE DNA SYNTHESIS; XERODERMA PIGMENTOSUM WITH NORMAL DNA REPAIR RATES; POLH-Related Xeroderma Pigmentosum. Identifiers: Orphanet 90342, MedGen C1848410, MONDO:0010214, OMIM 278750.

Allele frequency attached by ClinVar (database versions not stated): gnomAD exomes 0.00342; ExAC 0.00409; gnomAD 0.01266 and 0.01368; TOPMed 0.01503; ESP Exome Variant Server 0.01576; 1000 Genomes Project 0.01617; 1000 Genomes Project 30x 0.01655.
gnomAD v4.1: 3,877 of 1,614,212 alleles (0.24%); highest among the groups gnomAD compares: African/African-American, 4.6%; 86 homozygotes.

Submissions (3):

Labcorp Genetics (formerly Invitae), Labcorp
Classification: Benign. Last evaluated: 2026-02-01. Review status: criteria provided, single submitter. Criteria: Invitae Variant Classification Sherloc (09022015). Collection method: clinical testing. Allele origin: germline.

PreventionGenetics, part of Exact Sciences
Classification: Benign for POLH-related condition. Last evaluated: 2025-05-03. Review status: criteria provided, single submitter. Criteria: ACMG Guidelines, 2015. Collection method: clinical testing. Allele origin: germline.
Comment: This variant is classified as benign based on ACMG/AMP sequence variant interpretation guidelines (Richards et al. 2015 PMID: 25741868, with internal and published modifications).

Illumina Laboratory Services, Illumina
Classification: Benign for Xeroderma pigmentosum variant type. Last evaluated: 2018-01-13. Review status: criteria provided, single submitter. Criteria: ICSL Variant Classification Criteria 13 December 2019. Collection method: clinical testing. Allele origin: germline.
Comment: This variant was observed in the ICSL laboratory as part of a predisposition screen in an ostensibly healthy population. It had not been previously curated by ICSL or reported in the Human Gene Mutation Database (HGMD: prior to June 1st, 2018), and was therefore a candidate for classification through an automated scoring system. Utilizing variant allele frequency, disease prevalence and penetrance estimates, and inheritance mode, an automated score was calculated to assess if this variant is too frequent to cause the disease. Based on the score and internal cut-off values, a variant classified as benign is not then subjected to further curation. The score for this variant resulted in a classification of benign for this disease.